The following is an entry in ClinVar:

NM_004360.5(CDH1):c.49-3_49-1del

Gene: CDH1 (cadherin 1; plus strand). Cytogenetic location: 16q22.1.
Variant type: Deletion.
Coding change: c.49-3_49-1del on transcript NM_004360.5 (MANE Select); 3 bases into the intron before coding-DNA position 49 through the canonical splice acceptor site of the intron before coding-DNA position 49, 3 bases deleted (CAG; older notation c.49-3_49-1delCAG).
Molecular consequence: splice acceptor variant.
Genome position (GRCh38, 1-based): chr16:68,738,294-68,738,296, CAG deleted. VCF-style (leftmost placement, unchanged base first): chr16-68738293-CCAG-C. GRCh37 (hg19) VCF-style: chr16-68772196-CCAG-C.
Other names: c.-1567-3_-1567-1del (NM_001317185.2); c.-1771-3_-1771-1del (NM_001317186.2); c.49-3_49-1del (NM_001317184.2).
Identifiers: ClinVar variation 3998773 (VCV003998773.1).

ClinVar aggregate classification (germline): Pathogenic (1 of 4 stars; one submission).

Conditions:
Hereditary cancer-predisposing syndrome. Also called: Tumor predisposition; Hereditary neoplastic syndrome; Neoplastic Syndromes, Hereditary; Hereditary Cancer Syndrome. Identifiers: Orphanet 140162, MedGen C0027672, MeSH D009386, MONDO:0015356.

Submission:

Ambry Genetics
Classification: Pathogenic for Hereditary cancer-predisposing syndrome. Last evaluated: 2025-05-23. Review status: criteria provided, single submitter. Criteria: Ambry Variant Classification Scheme 2023. Collection method: clinical testing. Allele origin: germline.
Comment: The c.49-3_49-1delCAG intronic pathogenic mutation, located in intron 1 of the CDH1 gene, results from a deletion of 3 nucleotides within intron 1 of the CDH1 gene. Other variants impacting the same donor/acceptor site (c.49-2A>G, c.49-2A>C) have been identified in individuals with features consistent with CDH1-related diffuse gastric and lobular breast cancer (DGLBC) (Richards FM et al. Hum. Mol. Genet., 1999 Apr;8:607-10; Moran CJ et al. Eur J Surg Oncol, 2005 Apr;31:259-64; McVeigh TP et al. Clin. Breast Cancer, 2014 Apr;14:e47-51; More H et al. Hum. Mutat. 2007; 28:203-211). This variant is considered to be rare based on population cohorts in the Genome Aggregation Database (gnomAD). This nucleotide region is highly conserved in available vertebrate species. In silico splice site analysis predicts that this alteration will weaken the native splice acceptor site and will result in the creation or strengthening of a novel splice acceptor site. In addition to the clinical data presented in the literature, alterations that disrupt the canonical splice site are expected to cause aberrant splicing, resulting in an abnormal protein or a transcript that is subject to nonsense-mediated mRNA decay. As such, this alteration is classified as a disease-causing mutation.